The following is an entry in ClinVar:

ClinVar aggregate classification (germline): Uncertain significance (1 of 4 stars; one submission).

Conditions:
Primary ciliary dyskinesia. Also called: Ciliary dyskinesia. Identifiers: Orphanet 244, MedGen C0008780, MONDO:0016575, HP:0012265.

gnomAD v4.1: 5 of 1,592,644 alleles (0.00031%); highest among the groups gnomAD compares: Non-Finnish European, 0.00034%; no homozygotes.

Submission:

Labcorp Genetics (formerly Invitae), Labcorp
Classification: Uncertain significance for Primary ciliary dyskinesia. Last evaluated: 2025-05-03. Review status: criteria provided, single submitter. Criteria: Invitae Variant Classification Sherloc (09022015). Collection method: clinical testing. Allele origin: germline.
Comment: This sequence change replaces arginine, which is basic and polar, with lysine, which is basic and polar, at codon 3426 of the DNAH11 protein (p.Arg3426Lys). This variant is not present in population databases (gnomAD no frequency). This variant has not been reported in the literature in individuals affected with DNAH11-related conditions. Invitae Evidence Modeling of protein sequence and biophysical properties (such as structural, functional, and spatial information, amino acid conservation, physicochemical variation, residue mobility, and thermodynamic stability) indicates that this missense variant is not expected to disrupt DNAH11 protein function with a negative predictive value of 95%. In summary, the available evidence is currently insufficient to determine the role of this variant in disease. Therefore, it has been classified as a Variant of Uncertain Significance.

NM_001277115.2(DNAH11):c.10277G>A (p.Arg3426Lys)

Gene: DNAH11 (dynein axonemal heavy chain 11; plus strand). Cytogenetic location: 7p15.3.
Variant type: single nucleotide variant.
Coding change: c.10277G>A on transcript NM_001277115.2 (MANE Select); coding-DNA position 10277, G replaced by A.
Protein change: p.Arg3426Lys; replaces arginine 3426 with lysine.
Molecular consequence: missense variant.
Genome position (GRCh38, 1-based): chr7:21,807,994, G>A. VCF-style: chr7-21807994-G-A. GRCh37 (hg19) VCF-style: chr7-21847612-G-A.
Other names: short protein forms R3426K.
Identifiers: ClinVar variation 4707135 (VCV004707135.1).